The following is an entry in ClinVar:

ClinVar aggregate classification (germline): Conflicting classifications of pathogenicity. Review status: criteria provided, conflicting classifications (1 of 4 stars). 2 submissions from 2 submitters: Uncertain significance (1); Likely benign (1). Last evaluated 2025-11-09.

Conditions:
Hereditary cancer-predisposing syndrome. Also called: Neoplastic Syndromes, Hereditary; Tumor predisposition; Hereditary Cancer Syndrome; Hereditary neoplastic syndrome. Identifiers: Orphanet 140162, MedGen C0027672, MeSH D009386, MONDO:0015356.

Allele frequency attached by ClinVar (database versions not stated): gnomAD exomes below 0.00001; TOPMed below 0.00001; gnomAD 0.00001.
gnomAD v4.1: 4 of 1,614,008 alleles (0.00025%); highest among the groups gnomAD compares: African/African-American, 0.0027%; no homozygotes.

Submissions (2):

Labcorp Genetics (formerly Invitae), Labcorp
Classification: Uncertain significance. Last evaluated: 2025-11-09. Review status: criteria provided, single submitter. Criteria: Invitae Variant Classification Sherloc (09022015). Collection method: clinical testing. Allele origin: germline.
Comment: This sequence change replaces asparagine, which is neutral and polar, with tyrosine, which is neutral and polar, at codon 251 of the POLE protein (p.Asn251Tyr). This variant is not present in population databases (gnomAD no frequency). This variant has not been reported in the literature in individuals affected with POLE-related conditions. ClinVar contains an entry for this variant (Variation ID: 473827). Invitae Evidence Modeling of protein sequence and biophysical properties (such as structural, functional, and spatial information, amino acid conservation, physicochemical variation, residue mobility, and thermodynamic stability) indicates that this missense variant is not expected to disrupt POLE protein function with a negative predictive value of 80%. In summary, the available evidence is currently insufficient to determine the role of this variant in disease. Therefore, it has been classified as a Variant of Uncertain Significance.

Ambry Genetics
Classification: Likely benign for Hereditary cancer-predisposing syndrome. Last evaluated: 2024-12-06. Review status: criteria provided, single submitter. Criteria: Ambry Variant Classification Scheme 2023. Collection method: clinical testing. Allele origin: germline.

NM_006231.4(POLE):c.751A>T (p.Asn251Tyr)

Gene: POLE (DNA polymerase epsilon, catalytic subunit; minus strand). Cytogenetic location: 12q24.33.
Variant type: single nucleotide variant.
Coding change: c.751A>T on transcript NM_006231.4 (MANE Select); coding-DNA position 751, A replaced by T.
Protein change: p.Asn251Tyr; replaces asparagine 251 with tyrosine.
Molecular consequence: missense variant.
Genome position (GRCh38, 1-based): chr12:132,677,413, T>A on the plus strand (A>T on the coding strand, the complement: POLE is on the minus strand). VCF-style: chr12-132677413-T-A. GRCh37 (hg19) VCF-style: chr12-133253999-T-A.
Other names: short protein forms N251Y.
Identifiers: ClinVar variation 473827 (VCV000473827.14), dbSNP rs1392954149, ClinGen allele CA387364500.